The following is an entry in ClinVar:

NM_004082.5(DCTN1):c.3753A>C (p.Ser1251=)

Gene: DCTN1 (dynactin subunit 1; minus strand). Cytogenetic location: 2p13.1.
Variant type: single nucleotide variant.
Coding change: c.3753A>C on transcript NM_004082.5 (MANE Select); coding-DNA position 3753, A replaced by C.
Protein change: p.Ser1251=; no amino-acid change (serine 1251 retained).
Molecular consequence: synonymous variant. On other transcripts: non-coding transcript variant (1).
Genome position (GRCh38, 1-based): chr2:74,361,583, T>G on the plus strand (A>C on the coding strand, the complement: DCTN1 is on the minus strand). VCF-style: chr2-74361583-T-G. GRCh37 (hg19) VCF-style: chr2-74588710-T-G.
Other names: c.3678A>C, p.Ser1226= (NM_001135040.3); c.3336A>C, p.Ser1112= (NM_001135041.3); c.3627A>C, p.Ser1209= (NM_001190836.2); c.3732A>C, p.Ser1244= (NM_001190837.2); c.3702A>C, p.Ser1234= (NM_001378991.1); c.3684A>C, p.Ser1228= (NM_001378992.1); c.3351A>C, p.Ser1117= (NM_023019.4).
Identifiers: ClinVar variation 2651069 (VCV002651069.23), dbSNP rs761057825, ClinGen allele CA426812306.
Genomic context (GRCh38, chr2:74,361,583, plus strand): 5'-CTGGTGCAGCTGCTCCTGGGTCAGCACCAGCCGGTGTCGCTGTCCAAAACCAGCCGCACA[T>G]GAGAAGGTCACTTTGCCCATGTAGACTGTGTCATCCTGCTGCTCCTCCTTGGCCTGGTGG-3'
Protein context (NP_004073.2, residues 1241-1261): DTVYMGKVTF[Ser1251=]CAAGFGQRHR

ClinVar aggregate classification (germline): Likely benign (1 of 4 stars; one submission).

Submission:

CeGaT Center for Human Genetics Tuebingen
Classification: Likely benign. Last evaluated: 2022-11-01. Review status: criteria provided, single submitter. Criteria: CeGaT Center For Human Genetics Tuebingen Variant Classification Criteria Version 2. Collection method: clinical testing. Allele origin: germline. Affected: yes. Observed: 1 variant allele.
Comment: DCTN1: PM2:Supporting, BP4, BP7